The following is an entry in ClinVar:

ClinVar aggregate classification (germline): Likely pathogenic (0 of 4 stars; one submission).

Conditions:
RAI1-related disorder. Also called: RAI1-related condition.

Submission:

PreventionGenetics, part of Exact Sciences
Classification: Likely pathogenic for RAI1-related condition. Last evaluated: 2024-02-07. Review status: no assertion criteria provided. Collection method: clinical testing. Allele origin: germline.
Comment: The RAI1 c.5258dupA variant is predicted to result in a frameshift and premature protein termination (p.Pro1754Alafs*5). To our knowledge, this variant has not been reported in the literature or in a large population database, indicating this variant is rare. Frameshift variants in RAI1 are expected to be pathogenic. Loss-of-function variants downstream of this variant have been reported as pathogenic. This variant is interpreted as likely pathogenic.

NM_030665.4(RAI1):c.5258dup (p.Pro1754fs)

Gene: RAI1 (retinoic acid induced 1; plus strand). Cytogenetic location: 17p11.2.
Variant type: Duplication.
Coding change: c.5258dup on transcript NM_030665.4 (MANE Select); coding-DNA position 5258, one base duplicated (A; older notation c.5258dupA).
Protein change: p.Pro1754fs; shifts the reading frame from proline 1754.
Molecular consequence: frameshift variant.
Genome position (GRCh38, 1-based): chr17:17,798,206, A duplicated; the last of 2 consecutive A bases (chr17:17,798,205-17,798,206); duplicating either gives the same sequence. VCF-style (leftmost placement, unchanged base first): chr17-17798204-G-GA. GRCh37 (hg19) VCF-style: chr17-17701518-G-GA.
Other names: short protein forms P1754fs.
Identifiers: ClinVar variation 3349064 (VCV003349064.1).
Genomic context (GRCh38, chr17:17,798,204, plus strand): 5'-CTCGCTGCCGCTTGAGAGAACACTCAAAGGTCCCGAGTGTGCAGCTGCCGCCACTGCCGG[G>GA]AAGCCCCCCAGGCCTGACGGCCCAGCTGACCCGGCCAAGCAGGGCCCACTGCGCACCAGT-3'